The following is an entry in ClinVar:

NM_080680.3(COL11A2):c.2356C>T (p.Pro786Ser)

Gene: COL11A2 (collagen type XI alpha 2 chain; minus strand). Cytogenetic location: 6p21.32.
Variant type: single nucleotide variant.
Coding change: c.2356C>T on transcript NM_080680.3 (MANE Select); coding-DNA position 2356, C replaced by T.
Protein change: p.Pro786Ser; replaces proline 786 with serine.
Molecular consequence: missense variant.
Genome position (GRCh38, 1-based): chr6:33,175,594, G>A on the plus strand (C>T on the coding strand, the complement: COL11A2 is on the minus strand). VCF-style: chr6-33175594-G-A. GRCh37 (hg19) VCF-style: chr6-33143371-G-A.
Other names: c.2035C>T, p.Pro679Ser (NM_080679.3); c.2098C>T, p.Pro700Ser (NM_080681.3); short protein forms P679S, P700S, P786S.
Identifiers: ClinVar variation 1211908 (VCV001211908.6), dbSNP rs997884133, ClinGen allele CA137070746.
Genomic context (GRCh38, chr6:33,175,594, plus strand): 5'-ACCCCCAGAGGACCCAGGCACAGAACCCTCATCCCATCACCTTCTCGCCCATGAGCCCTG[G>A]GGGCCCAGGGTCTCCAGTCGGTCCAGTGCGTCCCTTTGGCCCCTCAGGACCATCCTCTCC-3'
Protein context (NP_542411.2, residues 776-796): RTGPTGDPGP[Pro786Ser]GLMGEKGKLG

ClinVar aggregate classification (germline): Conflicting classifications of pathogenicity. Review status: criteria provided, conflicting classifications (1 of 4 stars). 2 submissions from 2 submitters: Uncertain significance (1); Likely benign (1). Last evaluated 2023-08-25.

Allele frequency attached by ClinVar (database versions not stated): gnomAD 0.00001; TOPMed 0.00001.
gnomAD v4.1: 5 of 1,612,778 alleles (0.00031%); highest among the groups gnomAD compares: African/African-American, 0.0027%; no homozygotes.

Submissions (2):

Labcorp Genetics (formerly Invitae), Labcorp
Classification: Likely benign. Last evaluated: 2023-08-25. Review status: criteria provided, single submitter. Criteria: Invitae Variant Classification Sherloc (09022015). Collection method: clinical testing. Allele origin: germline.

GeneDx
Classification: Uncertain significance. Last evaluated: 2021-05-25. Review status: criteria provided, single submitter. Criteria: GeneDx Variant Classification Process June 2021. Collection method: clinical testing. Allele origin: germline. Affected: yes.
Comment: Not observed at a significant frequency in large population cohorts (Lek et al., 2016); In silico analysis, which includes protein predictors and evolutionary conservation, supports that this variant does not alter protein structure/function; Has not been previously published as pathogenic or benign to our knowledge